The following is an entry in ClinVar:

ClinVar aggregate classification (germline): Likely benign. Review status: criteria provided, multiple submitters, no conflicts (2 of 4 stars). 4 submissions from 4 submitters: Likely benign (4). Last evaluated 2026-05-21.

Conditions:
COACH syndrome 1. Identifiers: Orphanet 1454, MedGen C5435651, MONDO:0800103, OMIM 216360, MONDO:0008996.
Nephronophthisis 11 (NPHP11). Identifiers: Orphanet 84081, MedGen C3150796, MONDO:0013302, OMIM 613550.
Joubert syndrome 6 (JBTS6). Identifiers: Orphanet 475, MedGen C1853153, MONDO:0012539, OMIM 610688.
Meckel syndrome, type 3 (MKS3). Also called: MECKEL-GRUBER SYNDROME, TYPE 3. Identifiers: Orphanet 564, MedGen C1846357, MONDO:0011821, OMIM 607361.
RHYNS syndrome. Also called: RETINITIS PIGMENTOSA SYNDROME; RETINITIS PIGMENTOSA, HYPOPITUITARISM, NEPHRONOPHTHISIS, AND MILD SKELETAL DYSPLASIA. Identifiers: Orphanet 140976, MedGen C1865794, MONDO:0011202, OMIM 602152.
Bardet-Biedl syndrome 14 (BBS14). Identifiers: Orphanet 110, MedGen C2673874, MONDO:0014442, OMIM 615991.
TMEM67-related disorder. Also called: TMEM67-related condition; TMEM67-related disorders. Identifiers: MedGen CN239423.
Joubert syndrome. Also called: Familial aplasia of the vermis; JOUBERT-BOLTSHAUSER SYNDROME. Identifiers: Orphanet 475, MedGen C5979921, MONDO:0018772.
Meckel-Gruber syndrome. Also called: Dysencephalia splachnocystica; DYSENCEPHALIA SPLANCHNOCYSTICA; GRUBER SYNDROME. Identifiers: Orphanet 564, MedGen C0265215, MONDO:0018921.

Allele frequency attached by ClinVar (database versions not stated): gnomAD exomes below 0.00001; gnomAD 0.00001; ExAC 0.00002; ESP Exome Variant Server 0.00008.
gnomAD v4.1: 47 of 1,493,896 alleles (0.0031%); highest among the groups gnomAD compares: Non-Finnish European, 0.0044%; no homozygotes.

Submissions (4):

PreventionGenetics, part of Exact Sciences
Classification: Likely benign for TMEM67-related condition. Last evaluated: 2026-05-21. Review status: criteria provided, single submitter. Criteria: ACMG Guidelines, 2015. Collection method: clinical testing. Allele origin: germline.
Comment: This variant is classified as likely benign based on ACMG/AMP sequence variant interpretation guidelines (Richards et al. 2015 PMID: 25741868, with internal and published modifications).

Labcorp Genetics (formerly Invitae), Labcorp
Classification: Likely benign for Joubert syndrome; Meckel-Gruber syndrome. Last evaluated: 2025-12-22. Review status: criteria provided, single submitter. Criteria: Invitae Variant Classification Sherloc (09022015). Collection method: clinical testing. Allele origin: germline.

Blueprint Genetics
Classification: Likely benign. Last evaluated: 2023-05-03. Review status: criteria provided, single submitter. Criteria: ACMG Guidelines, 2015. Collection method: clinical testing. Allele origin: germline.

Fulgent Genetics
Classification: Likely benign for COACH syndrome 1; RHYNS syndrome; Meckel syndrome, type 3; Joubert syndrome 6; Nephronophthisis 11; Bardet-Biedl syndrome 14. Last evaluated: 2022-01-27. Review status: criteria provided, single submitter. Criteria: ACMG Guidelines, 2015. Collection method: clinical testing. Allele origin: unknown.

NM_153704.6(TMEM67):c.2662-4T>C

Gene: TMEM67 (transmembrane protein 67; plus strand). Cytogenetic location: 8q22.1.
Variant type: single nucleotide variant.
Coding change: c.2662-4T>C on transcript NM_153704.6 (MANE Select); 4 bases into the intron before coding-DNA position 2662, T replaced by C.
Molecular consequence: intron variant.
Genome position (GRCh38, 1-based): chr8:93,809,781, T>C. VCF-style: chr8-93809781-T-C. GRCh37 (hg19) VCF-style: chr8-94822009-T-C.
Other names: c.2662-4T>C (NM_153704.5); c.2419-4T>C (NM_001142301.1).
Identifiers: ClinVar variation 1591175 (VCV001591175.11), dbSNP rs374804519, ClinGen allele CA4808368.